The following is an entry in ClinVar:

NM_001289808.2(CRYAB):c.460G>A (p.Gly154Ser)

Gene: CRYAB (crystallin alpha B; minus strand). Cytogenetic location: 11q23.1.
Variant type: single nucleotide variant.
Coding change: c.460G>A on transcript NM_001289808.2 (MANE Select); coding-DNA position 460, G replaced by A.
Protein change: p.Gly154Ser; replaces glycine 154 with serine.
Molecular consequence: missense variant.
Genome position (GRCh38, 1-based): chr11:111,908,832, C>T on the plus strand (G>A on the coding strand, the complement: CRYAB is on the minus strand). VCF-style: chr11-111908832-C-T. GRCh37 (hg19) VCF-style: chr11-111779556-C-T.
Other names: c.460G>A, p.Gly154Ser (NM_001289807.1, NM_001368245.1, NM_001885.3); c.259G>A, p.Gly87Ser (NM_001330379.1, NM_001368246.1); short protein forms G154S, G87S.
Identifiers: ClinVar variation 41926 (VCV000041926.91), dbSNP rs150516929, ClinGen allele CA130921.

ClinVar aggregate classification (germline): Conflicting classifications of pathogenicity. Review status: criteria provided, conflicting classifications (1 of 4 stars). 23 submissions from 22 submitters: Uncertain significance (4); Benign (1); Likely benign (10). 8 of the submissions do not count toward it. Last evaluated 2026-07-29.

Conditions:
Hypertrophic cardiomyopathy. Also called: HYPERTROPHIC MYOCARDIOPATHY. Identifiers: Orphanet 217569, MedGen C0007194, MeSH D002312, MONDO:0005045, HP:0001639.
Congestive heart failure. Identifiers: MedGen C0018802, MONDO:0005009, HP:0001635.
CRYAB-related disorder. Also called: CRYAB-related condition.
Cardiovascular phenotype. Identifiers: MedGen CN230736.
Dilated cardiomyopathy 1II (CMD1II). Identifiers: Orphanet 154, MedGen C3554649, MONDO:0014073, OMIM 615184.
Cardiomyopathy (CMYO). Also called: Cardiomyopathies. Identifiers: Orphanet 167848, MedGen C0878544, MONDO:0004994, HP:0001638. Inheritance: Various modes of inheritance.
Fatal infantile hypertonic myofibrillar myopathy (MFM2B). Also called: MYOPATHY, MYOFIBRILLAR, 2B, INFANTILE-ONSET; MFM, FATAL INFANTILE HYPERTONIC, ALPHA-B CRYSTALLIN-RELATED. Identifiers: Orphanet 280553, MedGen C5190691, MONDO:0013472, OMIM 613869.
Cataract 16 multiple types. Also called: CATARACT, CONGENITAL LAMELLAR; CATARACT 16, POSTERIOR POLAR; CATARACT 16, CONGENITAL LAMELLAR. Identifiers: Orphanet 91492, Orphanet 98992, Orphanet 98993, Orphanet 98995, MedGen C3808377, MONDO:0013411, OMIM 613763.
Developmental cataract. Also called: Congenital cataract; Congenital cataracts; Bilateral cataracts. Identifiers: MedGen C0009691, HP:0000519.

Allele frequency attached by ClinVar (database versions not stated): 1000 Genomes Project 30x 0.00016; 1000 Genomes Project 0.00020; TOPMed 0.00069; ExAC 0.00077; ESP Exome Variant Server 0.00077; gnomAD 0.00086 and 0.00088; gnomAD exomes 0.00091 and 0.00124.
gnomAD v4.1: 1,913 of 1,613,842 alleles (0.12%); highest among the groups gnomAD compares: Non-Finnish European, 0.15%; 3 homozygotes.

Submissions (23):

GeneDx
Classification: Uncertain significance. Last evaluated: 2026-07-29. Review status: criteria provided, single submitter. Criteria: GeneDx Variant Classification Process June 2021. Collection method: clinical testing. Allele origin: germline.
Comment: Reported in association with both DCM, myopathy, and sudden cardiac death (SCD) (PMID: 16793013, 20171888, 22106715, 25208129, 26694549, 35087879); Functional studies suggest the presence of this variant may alter protein interactions under various experimental conditions; however, it is not known whether these findings are biological or clinically relevant in vivo (PMID: 23194663, 26961874, 28919577, 34983005); In silico analysis suggests that this missense variant does not alter protein structure/function; This variant is associated with the following publications: (PMID: 21920752, 27896284, 22995991, 23299917, 22106715, 26210153, 26961874, 24694370, 26694549, 20171888, 25961584, 21423662, 28518168, 28919577, 32171521, 32955210, 30325262, 29915098, 37511242, 25208129, 16793013, 23194663, 34983005, 35087879, 42006321)

Labcorp Genetics (formerly Invitae), Labcorp
Classification: Likely benign for Dilated cardiomyopathy 1II. Last evaluated: 2026-02-03. Review status: criteria provided, single submitter. Criteria: Invitae Variant Classification Sherloc (09022015). Collection method: clinical testing. Allele origin: germline.

Mayo Clinic Laboratories, Mayo Clinic
Classification: Likely benign. Last evaluated: 2025-06-02. Review status: criteria provided, single submitter. Criteria: ACMG Guidelines, 2015. Collection method: clinical testing. Allele origin: germline. Observed: 5 variant alleles.
Comment: BS1

Blueprint Genetics
Classification: Likely benign. Last evaluated: 2024-10-24. Review status: criteria provided, single submitter. Criteria: ACMG Guidelines, 2015. Collection method: clinical testing. Allele origin: germline.

Women's Health and Genetics/Laboratory Corporation of America, LabCorp
Classification: Likely benign. Last evaluated: 2024-07-30. Review status: criteria provided, single submitter. Criteria: LabCorp Variant Classification Summary - May 2015. Collection method: clinical testing. Allele origin: germline.

CeGaT Center for Human Genetics Tuebingen
Classification: Likely benign. Last evaluated: 2023-11-01. Review status: criteria provided, single submitter. Criteria: CeGaT Center For Human Genetics Tuebingen Variant Classification Criteria Version 2. Collection method: clinical testing. Allele origin: germline. Affected: yes. Observed: 3 variant alleles.
Comment: CRYAB: BP4

ARUP Laboratories, Molecular Genetics and Genomics, ARUP Laboratories
Classification: Likely benign. Last evaluated: 2021-01-12. Review status: criteria provided, single submitter. Criteria: ARUP Molecular Germline Variant Investigation Process 2021. Collection method: clinical testing. Allele origin: germline.

Center for Advanced Laboratory Medicine, UC San Diego Health, University of California San Diego
Classification: Likely benign for Congestive heart failure; Hypertrophic cardiomyopathy. Last evaluated: 2019-04-09. Review status: criteria provided, single submitter. Criteria: ACMG Guidelines, 2015. Collection method: clinical testing. Allele origin: germline. Affected: yes. Observed: 2 variant alleles.

Ambry Genetics
Classification: Likely benign for Cardiovascular phenotype. Last evaluated: 2019-03-20. Review status: criteria provided, single submitter. Criteria: Ambry Variant Classification Scheme 2023. Collection method: clinical testing. Allele origin: germline.

CHEO Genetics Diagnostic Laboratory, Children's Hospital of Eastern Ontario
Classification: Benign for Cardiomyopathy. Last evaluated: 2018-03-16. Review status: criteria provided, single submitter. Criteria: ACMG Guidelines, 2015. Collection method: clinical testing. Allele origin: germline.

Illumina Laboratory Services, Illumina
Classification: Likely benign for Cataract 16 multiple types. Last evaluated: 2017-04-27. Review status: criteria provided, single submitter. Criteria: ICSL Variant Classification Criteria 13 December 2019. Collection method: clinical testing. Allele origin: germline.
Comment: This variant was observed as part of a predisposition screen in an ostensibly healthy population. A literature search was performed for the gene, cDNA change, and amino acid change (where applicable). No publications were found based on this search. Allele frequency data from public databases allowed determination this variant is unlikely to cause disease. Therefore, this variant is classified as likely benign.

Illumina Laboratory Services, Illumina
Classification: Likely benign for Fatal infantile hypertonic myofibrillar myopathy. Last evaluated: 2017-04-27. Review status: criteria provided, single submitter. Criteria: ICSL Variant Classification Criteria 13 December 2019. Collection method: clinical testing. Allele origin: germline.
Comment: the same text as in the submission from Illumina Laboratory Services, Illumina above.

Stanford Center for Inherited Cardiovascular Disease, Stanford University
Classification: Uncertain significance. Last evaluated: 2017-03-31. Review status: criteria provided, single submitter. Criteria: ACMG Guidelines, 2015. Collection method: provider interpretation. Allele origin: germline.

Laboratory for Molecular Medicine, Mass General Brigham Personalized Medicine
Classification: Uncertain significance. Last evaluated: 2015-03-11. Review status: criteria provided, single submitter. Criteria: LMM Criteria. Collection method: clinical testing. Allele origin: germline. Observed: 7 variant alleles.
Comment: Variant classified as Uncertain Significance - Favor Benign. The p.Gly154Ser var iant in CRYAB has been reported in 2 individuals with mild DCM (Inagaki 2006, Pi lotto 2006) and in 2 individuals with myopathy (Reilich 2010, Semmler 2014). Add itionally, one unpublished study detected this variant in 8 individuals with HCM (Sriram 2007; conference abstract). This variant has also been identified by ou r laboratory in 3 individuals with HCM, 2 individuals with DCM, and 1 individual with RV dilation and ventricular tachycardia. However, one of the individuals w ith HCM carried a variant in another gene that is sufficient to explain their di sease. This variant has been identified in 0.1% (85/66736) of European chromosom es by the Exome Aggregation Consortium (ExAC; db SNP rs150516929). In vitro functional studies provide some evidence that the p.G ly154Ser variant may impact protein function (Inagaki 2006, Reilich 2010, Ragu 2 013). However, these types of assays may not accurately represent biological fun ction. In summary, while the clinical significance of the p.Gly154Ser variant is uncertain, the wide range of phenotypes of individuals with this variant and it s frequency in the general population suggest that it is more likely to be benig n.

Eurofins Ntd Llc (ga)
Classification: Uncertain significance. Last evaluated: 2014-12-01. Review status: criteria provided, single submitter. Criteria: EGL Classification Definitions 2015. Collection method: clinical testing. Allele origin: germline. Observed: 1 variant allele, 1 heterozygote.

PreventionGenetics, part of Exact Sciences
Classification: Likely benign for CRYAB-related condition. Last evaluated: 2021-05-10. Review status: no assertion criteria provided. Collection method: clinical testing. Allele origin: germline. Not counted in ClinVar's aggregate classification.
Comment: This variant is classified as likely benign based on ACMG/AMP sequence variant interpretation guidelines (Richards et al. 2015 PMID: 25741868, with internal and published modifications).

Eye Genetics Research Group, Children's Medical Research Institute
Classification: Uncertain significance for Developmental cataract. Last evaluated: 2015-01-09. Review status: no assertion criteria provided. Collection method: research. Allele origin: paternal. Affected: yes. Not counted in ClinVar's aggregate classification.

OMIM
Classification: Pathogenic for CARDIOMYOPATHY, DILATED, 1II. Last evaluated: 2006-08-11. Review status: no assertion criteria provided. Collection method: literature only. Allele origin: germline. Not counted in ClinVar's aggregate classification.

Clinical Genetics DNA and cytogenetics Diagnostics Lab, Erasmus MC, Erasmus Medical Center
Classification: Likely benign. Review status: no assertion criteria provided. Collection method: clinical testing. Allele origin: germline. Affected: yes. Study: VKGL Data-share Consensus. Not counted in ClinVar's aggregate classification.

Clinical Genetics, Academic Medical Center
Classification: Benign. Review status: no assertion criteria provided. Collection method: clinical testing. Allele origin: germline. Affected: yes. Study: VKGL Data-share Consensus. Not counted in ClinVar's aggregate classification.

Diagnostic Laboratory, Department of Genetics, University Medical Center Groningen
Classification: Likely benign. Review status: no assertion criteria provided. Collection method: clinical testing. Allele origin: germline. Affected: yes. Study: VKGL Data-share Consensus. Not counted in ClinVar's aggregate classification.

Genome Diagnostics Laboratory, University Medical Center Utrecht
Classification: Likely benign. Review status: no assertion criteria provided. Collection method: clinical testing. Allele origin: germline. Affected: yes. Study: VKGL Data-share Consensus. Not counted in ClinVar's aggregate classification.

Laboratory of Diagnostic Genome Analysis, Leiden University Medical Center (LUMC)
Classification: Likely benign. Review status: no assertion criteria provided. Collection method: clinical testing. Allele origin: germline. Affected: yes. Study: VKGL Data-share Consensus. Not counted in ClinVar's aggregate classification.

Literature cited by the submitters: PubMed 16793013 (cited by 4 submitters); PubMed 20171888 (cited by 3 submitters); PubMed 22106715 (cited by Ambry Genetics and Laboratory for Molecular Medicine, Mass General Brigham Personalized Medicine); PubMed 23194663 (cited by 3 submitters); PubMed 25208129 (cited by 3 submitters); PubMed 26694549 (cited by Ambry Genetics and Eye Genetics Research Group, Children's Medical Research Institute); PubMed 26961874 (cited by Ambry Genetics); PubMed 23299917 (cited by Laboratory for Molecular Medicine, Mass General Brigham Personalized Medicine); PubMed 16483541 (cited by Laboratory for Molecular Medicine, Mass General Brigham Personalized Medicine); PubMed 22995991 (cited by Laboratory for Molecular Medicine, Mass General Brigham Personalized Medicine); PubMed 21920752 (cited by Laboratory for Molecular Medicine, Mass General Brigham Personalized Medicine).